The following is an entry in ClinVar:

ClinVar aggregate classification (germline): Uncertain significance (1 of 4 stars; one submission).

Conditions:
Neurodevelopmental disorder with short stature, prominent forehead, and feeding difficulties (NEDSFF). Also called: DPH5-related diphthamide-deficiency syndrome. Identifiers: MedGen C5774228, MONDO:0859295, OMIM 620070.

gnomAD v4.1: 3 of 1,613,858 alleles (0.00019%); highest among the groups gnomAD compares: Non-Finnish European, 0.00025%; no homozygotes.

Submission:

Neuberg Centre For Genomic Medicine, NCGM
Classification: Uncertain significance for Neurodevelopmental disorder with short stature, prominent forehead, and feeding difficulties. Last evaluated: 2023-06-22. Review status: criteria provided, single submitter. Criteria: ACMG Guidelines, 2015. Collection method: clinical testing. Allele origin: germline. Inheritance: Autosomal recessive inheritance. Affected: yes.
Comment: The observed missense variant c.668C>T(p.Ala223Val) in DPH5 gene has not been reported previously as a pathogenic variant nor as a benign variant, to our knowledge. This variant is absent in gnomAD Exomes. The amino acid Ala at position 223 is changed to a Val changing protein sequence and it might alter its composition and physico-chemical properties. Multiple lines of computational evidence (Polyphen-probably damaging, SIFT-damaging and MutationTaster-disease causing) predict a damaging effect on protein structure and function for this variant. The reference amino acid p.Ala223Val in DPH5 is predicted as conserved by GERP++ and PhyloP across 100 vertebrates. For these reasons, this variant has been classified as Uncertain Significance.

NM_015958.3(DPH5):c.668C>T (p.Ala223Val)

Genes: DPH5 (diphthamide biosynthesis 5; minus strand), SLC30A7 (solute carrier family 30 member 7; plus strand). Cytogenetic location: 1p21.2.
Variant type: single nucleotide variant.
Coding change: c.668C>T on transcript NM_015958.3 (MANE Select); coding-DNA position 668, C replaced by T.
Protein change: p.Ala223Val; replaces alanine 223 with valine.
Molecular consequence: missense variant.
Genome position (GRCh38, 1-based): chr1:100,990,598, G>A on the plus strand (C>T on the coding strand, the complement: DPH5 is on the minus strand). VCF-style: chr1-100990598-G-A. GRCh37 (hg19) VCF-style: chr1-101456154-G-A.
Other names: c.668C>T, p.Ala223Val (NM_001077394.2); c.665C>T, p.Ala222Val (NM_001077395.2); short protein forms A222V, A223V.
Identifiers: ClinVar variation 3731413 (VCV003731413.1).